The following is an entry in ClinVar:

ClinVar aggregate classification (germline): Uncertain significance. Review status: criteria provided, multiple submitters, no conflicts (2 of 4 stars). 2 submissions from 2 submitters: Uncertain significance (2). Last evaluated 2019-09-17.

Conditions:
Cardiovascular phenotype. Identifiers: MedGen CN230736.
Autosomal recessive limb-girdle muscular dystrophy type 2J (LGMDR10). Also called: Limb-girdle muscular dystrophy, type 2J; MUSCULAR DYSTROPHY, LIMB-GIRDLE, AUTOSOMAL RECESSIVE 10. Identifiers: Orphanet 140922, MedGen C1837342, MONDO:0012127, OMIM 608807.
Dilated cardiomyopathy 1G (CMD1G). Identifiers: Orphanet 154, MedGen C1858763, MONDO:0011400, OMIM 604145.

Allele frequency attached by ClinVar (database versions not stated): gnomAD exomes below 0.00001.
gnomAD v4.1: 1 of 1,613,944 alleles (0.000062%); highest among the groups gnomAD compares: Non-Finnish European, 0.000085%; no homozygotes.

Submissions (2):

Ambry Genetics
Classification: Uncertain significance for Cardiovascular phenotype. Last evaluated: 2019-09-17. Review status: criteria provided, single submitter. Criteria: Ambry Variant Classification Scheme 2023. Collection method: clinical testing. Allele origin: germline.
Comment: The p.Q4133R variant (also known as c.12398A>G), located in coding exon 44 of the TTN gene, results from an A to G substitution at nucleotide position 12398. The glutamine at codon 4133 is replaced by arginine, an amino acid with highly similar properties. This amino acid position is not well conserved in available vertebrate species. In addition, this alteration is predicted to be tolerated by in silico analysis. Since supporting evidence is limited at this time, the clinical significance of this alteration remains unclear.

Labcorp Genetics (formerly Invitae), Labcorp
Classification: Uncertain significance for Dilated cardiomyopathy 1G; Autosomal recessive limb-girdle muscular dystrophy type 2J. Last evaluated: 2016-01-19. Review status: criteria provided, single submitter. Criteria: Invitae Variant Classification Sherloc (09022015). Collection method: clinical testing. Allele origin: germline.

NM_001267550.2(TTN):c.13487A>G (p.Gln4496Arg)

Gene: TTN (titin; minus strand). Cytogenetic location: 2q31.2.
Variant type: single nucleotide variant.
Coding change: c.13487A>G on transcript NM_001267550.2 (MANE Select); coding-DNA position 13487, A replaced by G.
Protein change: p.Gln4496Arg; replaces glutamine 4496 with arginine.
Molecular consequence: missense variant. On other transcripts: intron variant (1).
Genome position (GRCh38, 1-based): chr2:178,739,746, T>C on the plus strand (A>G on the coding strand, the complement: TTN is on the minus strand). VCF-style: chr2-178739746-T-C. GRCh37 (hg19) VCF-style: chr2-179604473-T-C.
Other names: c.12536A>G, p.Gln4179Arg (NM_001256850.1); c.12398A>G, p.Gln4133Arg (NM_003319.4); c.12773A>G, p.Gln4258Arg (NM_133432.3); c.12974A>G, p.Gln4325Arg (NM_133437.4); c.10361-1386A>G (NM_133378.4); short protein forms Q4496R, Q4258R, Q4133R, Q4179R, Q4325R.
Identifiers: ClinVar variation 238706 (VCV000238706.5), dbSNP rs878854287, ClinGen allele CA10581895.